The following is an entry in ClinVar:

NM_013266.4(CTNNA3):c.2380G>A (p.Gly794Arg)

Gene: CTNNA3 (catenin alpha 3; minus strand). Cytogenetic location: 10q21.3.
Variant type: single nucleotide variant.
Coding change: c.2380G>A on transcript NM_013266.4 (MANE Select); coding-DNA position 2380, G replaced by A.
Protein change: p.Gly794Arg; replaces glycine 794 with arginine.
Molecular consequence: missense variant.
Genome position (GRCh38, 1-based): chr10:65,966,632, C>T on the plus strand (G>A on the coding strand, the complement: CTNNA3 is on the minus strand). VCF-style: chr10-65966632-C-T. GRCh37 (hg19) VCF-style: chr10-67726390-C-T.
Other names: c.2380G>A, p.Gly794Arg (NM_001127384.3); short protein forms G794R.
Identifiers: ClinVar variation 1790441 (VCV001790441.3), dbSNP rs145119798, ClinGen allele CA5519615.

ClinVar aggregate classification (germline): Uncertain significance (1 of 4 stars; one submission).

Allele frequency attached by ClinVar (database versions not stated): gnomAD 0.00001; gnomAD exomes 0.00001; TOPMed 0.00002; ExAC 0.00004; 1000 Genomes Project 0.00020; 1000 Genomes Project 30x 0.00031.
gnomAD v4.1: 13 of 1,613,768 alleles (0.00081%); highest among the groups gnomAD compares: African/African-American, 0.0013%; no homozygotes.

Submission:

Ambry Genetics
Classification: Uncertain significance. Last evaluated: 2024-12-17. Review status: criteria provided, single submitter. Criteria: Ambry Variant Classification Scheme 2023. Collection method: clinical testing. Allele origin: germline.
Comment: The p.G794R variant (also known as c.2380G>A), located in coding exon 16 of the CTNNA3 gene, results from a G to A substitution at nucleotide position 2380. The glycine at codon 794 is replaced by arginine, an amino acid with dissimilar properties. This amino acid position is conserved. In addition, the in silico prediction for this alteration is inconclusive. Since supporting evidence is limited at this time, the clinical significance of this alteration remains unclear.